The following is an entry in ClinVar:

ClinVar aggregate classification (germline): Uncertain significance (1 of 4 stars; one submission).

Conditions:
Hereditary spastic paraplegia 7 (SPG7). Also called: SPG7-related neurologic disorder; Spastic paraplegia 7; Hereditary spastic paraplegia Paraplegin type; Autosomal recessive spastic paraplegia type 7; SPASTIC PARAPLEGIA 7, AUTOSOMAL RECESSIVE, WITH OR WITHOUT CEREBELLAR ATAXIA. Identifiers: Orphanet 99013, MedGen C1846564, MONDO:0011803, OMIM 607259.

Submission:

Centre for Mendelian Genomics, University Medical Centre Ljubljana
Classification: Uncertain significance for Hereditary spastic paraplegia 7. Last evaluated: 2018-11-08. Review status: criteria provided, single submitter. Criteria: ACMG Guidelines, 2015. Collection method: clinical testing. Allele origin: unknown. Affected: yes.
Comment: This variant was classified as: Uncertain significance. The available evidence on this variant's pathogenicity is insufficient or conflicting. The following ACMG criteria were applied in classifying this variant: PM2.

NM_003119.4(SPG7):c.1150+17G>A

Gene: SPG7 (SPG7 matrix AAA peptidase subunit, paraplegin; plus strand). Cytogenetic location: 16q24.3.
Variant type: single nucleotide variant.
Coding change: c.1150+17G>A on transcript NM_003119.4 (MANE Select); 17 bases into the intron after coding-DNA position 1150, G replaced by A.
Molecular consequence: intron variant.
Genome position (GRCh38, 1-based): chr16:89,532,083, G>A. VCF-style: chr16-89532083-G-A. GRCh37 (hg19) VCF-style: chr16-89598491-G-A.
Other names: c.1150+17G>A (NM_001363850.1, NM_199367.3).
Identifiers: ClinVar variation 931260 (VCV000931260.3), dbSNP rs2058351380, ClinGen allele CA1139665007.